The following is an entry in ClinVar:

NM_001330078.2(NRXN1):c.3598A>G (p.Ile1200Val)

Gene: NRXN1 (neurexin 1; minus strand). Cytogenetic location: 2p16.3.
Variant type: single nucleotide variant.
Coding change: c.3598A>G on transcript NM_001330078.2 (MANE Select); coding-DNA position 3598, A replaced by G.
Protein change: p.Ile1200Val; replaces isoleucine 1200 with valine.
Molecular consequence: missense variant.
Genome position (GRCh38, 1-based): chr2:50,091,443, T>C on the plus strand (A>G on the coding strand, the complement: NRXN1 is on the minus strand). VCF-style: chr2-50091443-T-C. GRCh37 (hg19) VCF-style: chr2-50318581-T-C.
Other names: c.3598A>G, p.Ile1200Val (NM_001330086.2, NM_004801.6); c.3487A>G, p.Ile1163Val (NM_001330087.2, NM_001330096.2); c.3517A>G, p.Ile1173Val (NM_001330088.2); c.493A>G, p.Ile165Val (NM_001330091.2, NM_001330092.2, NM_001330097.2 and 1 more transcripts); c.3595A>G, p.Ile1199Val (NM_001330093.2); c.3586A>G, p.Ile1196Val (NM_001330094.2); c.3547A>G, p.Ile1183Val (NM_001330095.2); c.3718A>G, p.Ile1240Val (NM_001135659.3); and 3 more; short protein forms I1240V, I165V, I1173V, I1178V, I1183V, I1192V, I1163V, I1191V.
Identifiers: ClinVar variation 4739800 (VCV004739800.1).

ClinVar aggregate classification (germline): Uncertain significance (1 of 4 stars; one submission).

Conditions:
Pitt-Hopkins-like syndrome 2 (PTHSL2). Identifiers: Orphanet 221150, Orphanet 600663, MedGen C3280479, MONDO:0013690, OMIM 614325.

Submission:

Labcorp Genetics (formerly Invitae), Labcorp
Classification: Uncertain significance for Pitt-Hopkins-like syndrome 2. Last evaluated: 2025-02-26. Review status: criteria provided, single submitter. Criteria: Invitae Variant Classification Sherloc (09022015). Collection method: clinical testing. Allele origin: germline.
Comment: This sequence change replaces isoleucine, which is neutral and non-polar, with valine, which is neutral and non-polar, at codon 1240 of the NRXN1 protein (p.Ile1240Val). This variant is not present in population databases (gnomAD no frequency). This variant has not been reported in the literature in individuals affected with NRXN1-related conditions. Invitae Evidence Modeling of protein sequence and biophysical properties (such as structural, functional, and spatial information, amino acid conservation, physicochemical variation, residue mobility, and thermodynamic stability) indicates that this missense variant is not expected to disrupt NRXN1 protein function with a negative predictive value of 80%. In summary, the available evidence is currently insufficient to determine the role of this variant in disease. Therefore, it has been classified as a Variant of Uncertain Significance.